The following is an entry in ClinVar:

ClinVar aggregate classification (germline): Likely benign (1 of 4 stars; one submission).

Conditions:
Tuberous sclerosis 2 (TSC2). Identifiers: Orphanet 805, MedGen C1860707, MONDO:0013199, OMIM 613254.

Submission:

Myriad Genetics, Inc.
Classification: Likely benign for Tuberous sclerosis 2. Last evaluated: 2025-05-14. Review status: criteria provided, single submitter. Criteria: Myriad Autosomal Dominant, Autosomal Recessive and X-Linked Classification Criteria (2023). Collection method: clinical testing. Allele origin: unknown.
Comment: This variant is considered likely benign. This variant is intronic and is not expected to impact mRNA splicing.

NM_000548.5(TSC2):c.1444-10G>T

Gene: TSC2 (TSC complex subunit 2; plus strand). Cytogenetic location: 16p13.3.
Variant type: single nucleotide variant.
Coding change: c.1444-10G>T on transcript NM_000548.5 (MANE Select); 10 bases into the intron before coding-DNA position 1444, G replaced by T.
Molecular consequence: intron variant.
Genome position (GRCh38, 1-based): chr16:2,064,262, G>T. VCF-style: chr16-2064262-G-T. GRCh37 (hg19) VCF-style: chr16-2114263-G-T.
Other names: c.100-10G>T (NM_001406693.1, NM_001406689.1, NM_001406690.1 and 6 more transcripts); c.1534-10G>T (NM_001406667.1, NM_001406668.1); c.844-10G>T (NM_001406680.1, NM_001406683.1, NM_001406687.1 and 6 more transcripts); c.-159-10G>T (NM_001406698.1); c.1444-10G>T (NM_001114382.3, NM_001406663.1, NM_001406664.1 and 6 more transcripts); c.1432-10G>T (NM_001406671.1, NM_001406673.1); c.982-10G>T (NM_001406681.1); c.1333-10G>T (NM_001406670.1, NM_001318827.2, NM_001406678.1); and 3 more.
Identifiers: ClinVar variation 4071092 (VCV004071092.1).
Genomic context (GRCh38, chr16:2,064,262, plus strand): 5'-GAATTGGAAGTGTCACGAGATGTGGCCCTCGTTGGGCTGGCGCTCATTGGCCTCCCTTGT[G>T]CCTGTGCAGGAGGAGCTGATTAACTCAGTGGTCATCTCGCAGCTCTCCCACATCCCCGAG-3'